The following is an entry in ClinVar:

ClinVar aggregate classification (germline): Conflicting classifications of pathogenicity. Review status: criteria provided, conflicting classifications (1 of 4 stars). 3 submissions from 3 submitters: Uncertain significance (2); Likely benign (1). Last evaluated 2025-02-14.

Conditions:
Catecholaminergic polymorphic ventricular tachycardia 1. Also called: RYR2-Related Catecholaminergic Polymorphic Ventricular Tachycardia; VENTRICULAR TACHYCARDIA, STRESS-INDUCED POLYMORPHIC 1; VENTRICULAR TACHYCARDIA, CATECHOLAMINERGIC POLYMORPHIC, 1, WITH OR WITHOUT ATRIAL DYSFUNCTION AND/OR DILATED CARDIOMYOPATHY. Identifiers: Orphanet 3286, MedGen C1631597, MONDO:0011484, OMIM 604772.
Catecholaminergic polymorphic ventricular tachycardia 5 (CARDAR). Also called: Ventricular tachycardia, catecholaminergic polymorphic, 5, with or without muscle weakness; CARDIAC ARRHYTHMIA SYNDROME, WITH OR WITHOUT SKELETAL MUSCLE WEAKNESS. Identifiers: Orphanet 3286, MedGen C3809536, MONDO:0014191, OMIM 615441.
Cardiovascular phenotype. Identifiers: MedGen CN230736.

Allele frequency attached by ClinVar (database versions not stated): gnomAD exomes below 0.00001 and 0.00001; gnomAD 0.00001; TOPMed 0.00001.

Submissions (3):

Ambry Genetics
Classification: Likely benign for Cardiovascular phenotype. Last evaluated: 2025-02-14. Review status: criteria provided, single submitter. Criteria: Ambry Variant Classification Scheme 2023. Collection method: clinical testing. Allele origin: germline.

Fulgent Genetics
Classification: Uncertain significance for Catecholaminergic polymorphic ventricular tachycardia 1; Catecholaminergic polymorphic ventricular tachycardia 5. Last evaluated: 2021-10-14. Review status: criteria provided, single submitter. Criteria: ACMG Guidelines, 2015. Collection method: clinical testing. Allele origin: unknown.

Labcorp Genetics (formerly Invitae), Labcorp
Classification: Uncertain significance for Catecholaminergic polymorphic ventricular tachycardia 1. Last evaluated: 2021-08-26. Review status: criteria provided, single submitter. Criteria: Invitae Variant Classification Sherloc (09022015). Collection method: clinical testing. Allele origin: germline.
Comment: This sequence change replaces alanine with threonine at codon 202 of the TRDN protein (p.Ala202Thr). The alanine residue is moderately conserved and there is a small physicochemical difference between alanine and threonine. This variant is not present in population databases (ExAC no frequency). This variant has not been reported in the literature in individuals affected with TRDN-related conditions. Algorithms developed to predict the effect of missense changes on protein structure and function output the following: SIFT: "Tolerated"; PolyPhen-2: "Not Available"; Align-GVGD: "Class C0". The threonine amino acid residue is found in multiple mammalian species, which suggests that this missense change does not adversely affect protein function. In summary, the available evidence is currently insufficient to determine the role of this variant in disease. Therefore, it has been classified as a Variant of Uncertain Significance.

NM_006073.4(TRDN):c.604G>A (p.Ala202Thr)

Gene: TRDN (triadin; minus strand). Cytogenetic location: 6q22.31.
Variant type: single nucleotide variant.
Coding change: c.604G>A on transcript NM_006073.4 (MANE Select); coding-DNA position 604, G replaced by A.
Protein change: p.Ala202Thr; replaces alanine 202 with threonine.
Molecular consequence: missense variant.
Genome position (GRCh38, 1-based): chr6:123,512,309, C>T on the plus strand (G>A on the coding strand, the complement: TRDN is on the minus strand). VCF-style: chr6-123512309-C-T. GRCh37 (hg19) VCF-style: chr6-123833454-C-T.
Other names: c.604G>A, p.Ala202Thr (NM_001251987.2, NM_001256020.2, NM_001256021.2); c.604G>A (NM_006073.2); short protein forms A202T.
Identifiers: ClinVar variation 1417266 (VCV001417266.6), dbSNP rs1335196025, ClinGen allele CA365568031.